The following is an entry in ClinVar:

NM_001349253.2(SCN11A):c.2513G>A (p.Arg838Gln)

Gene: SCN11A (sodium voltage-gated channel alpha subunit 11; minus strand). Cytogenetic location: 3p22.2.
Variant type: single nucleotide variant.
Coding change: c.2513G>A on transcript NM_001349253.2 (MANE Select); coding-DNA position 2513, G replaced by A.
Protein change: p.Arg838Gln; replaces arginine 838 with glutamine.
Molecular consequence: missense variant.
Genome position (GRCh38, 1-based): chr3:38,894,855, C>T on the plus strand (G>A on the coding strand, the complement: SCN11A is on the minus strand). VCF-style: chr3-38894855-C-T. GRCh37 (hg19) VCF-style: chr3-38936346-C-T.
Other names: p.Arg838Gln; c.2513G>A, p.Arg838Gln (NM_014139.3); short protein forms R838Q.
Identifiers: ClinVar variation 541570 (VCV000541570.14), dbSNP rs149681198, ClinGen allele CA2322027.

ClinVar aggregate classification (germline): Conflicting classifications of pathogenicity. Review status: criteria provided, conflicting classifications (1 of 4 stars). 5 submissions from 5 submitters: Uncertain significance (2); Likely benign (3). Last evaluated 2025-08-29.

Conditions:
Inborn genetic diseases. Identifiers: MedGen C0950123, MeSH D030342.
SCN11A-related disorder. Also called: SCN11A-related condition.
Hereditary sensory and autonomic neuropathy type 7. Also called: Neuropathy, hereditary sensory and autonomic, type VII; HSAN VII. Identifiers: Orphanet 391397, MedGen C3809882, MONDO:0014244, OMIM 615548.
Familial episodic pain syndrome with predominantly lower limb involvement. Also called: Episodic pain syndrome, familial, 3. Identifiers: Orphanet 391384, Orphanet 391392, MedGen C3809899, MONDO:0014247, OMIM 615552.

Allele frequency attached by ClinVar (database versions not stated): ExAC 0.00007; gnomAD 0.00015 and 0.00016; TOPMed 0.00015; ESP Exome Variant Server 0.00054.
gnomAD v4.1: 126 of 1,614,090 alleles (0.0078%); highest among the groups gnomAD compares: African/African-American, 0.035%; no homozygotes.

Submissions (5):

Mayo Clinic Laboratories, Mayo Clinic
Classification: Uncertain significance. Last evaluated: 2025-08-29. Review status: criteria provided, single submitter. Criteria: ACMG Guidelines, 2015. Collection method: clinical testing. Allele origin: germline. Observed: 1 variant allele.

PreventionGenetics, part of Exact Sciences
Classification: Likely benign for SCN11A-related condition. Last evaluated: 2025-07-16. Review status: criteria provided, single submitter. Criteria: ACMG Guidelines, 2015. Collection method: clinical testing. Allele origin: germline.
Comment: This variant is classified as likely benign based on ACMG/AMP sequence variant interpretation guidelines (Richards et al. 2015 PMID: 25741868, with internal and published modifications).

Labcorp Genetics (formerly Invitae), Labcorp
Classification: Uncertain significance for Familial episodic pain syndrome with predominantly lower limb involvement; Hereditary sensory and autonomic neuropathy type 7. Last evaluated: 2025-06-13. Review status: criteria provided, single submitter. Criteria: Invitae Variant Classification Sherloc (09022015). Collection method: clinical testing. Allele origin: germline.
Comment: This sequence change replaces arginine, which is basic and polar, with glutamine, which is neutral and polar, at codon 838 of the SCN11A protein (p.Arg838Gln). This variant is present in population databases (rs149681198, gnomAD 0.05%), and has an allele count higher than expected for a pathogenic variant. This missense change has been observed in individual(s) with clinical features of SCN11A-related conditions (PMID: 30533233, 30554136). ClinVar contains an entry for this variant (Variation ID: 541570). An algorithm developed to predict the effect of missense changes on protein structure and function (PolyPhen-2) suggests that this variant is likely to be disruptive. In summary, the available evidence is currently insufficient to determine the role of this variant in disease. Therefore, it has been classified as a Variant of Uncertain Significance.

GeneDx
Classification: Likely benign. Last evaluated: 2021-06-17. Review status: criteria provided, single submitter. Criteria: GeneDx Variant Classification Process June 2021. Collection method: clinical testing. Allele origin: germline. Affected: yes.
Comment: This variant is associated with the following publications: (PMID: 30533233)

Ambry Genetics
Classification: Likely benign for Inborn genetic diseases. Last evaluated: 2020-10-15. Review status: criteria provided, single submitter. Criteria: Ambry Variant Classification Scheme 2023. Collection method: clinical testing. Allele origin: germline.

Literature cited by the submitters: PubMed 30533233 (cited by Mayo Clinic Laboratories, Mayo Clinic and Labcorp Genetics (formerly Invitae), Labcorp); PubMed 30554136 (cited by Mayo Clinic Laboratories, Mayo Clinic and Labcorp Genetics (formerly Invitae), Labcorp); PubMed 36051609 (cited by Mayo Clinic Laboratories, Mayo Clinic).